The following is an entry in ClinVar:

ClinVar aggregate classification (germline): Uncertain significance. Review status: criteria provided, multiple submitters, no conflicts (2 of 4 stars). 4 submissions from 4 submitters: Uncertain significance (4). Last evaluated 2022-05-22.

Conditions:
Inborn genetic diseases. Identifiers: MedGen C0950123, MeSH D030342.
Familial X-linked hypophosphatemic vitamin D refractory rickets (XLHRD). Also called: X-Linked Hypophosphatemia; Hypophosphatemic Rickets, X-Linked Dominant; Hypophosphatemia, vitamin D-resistant rickets; Vitamin D-resistant rickets, X-linked; HYPOPHOSPHATEMIC VITAMIN D-RESISTANT RICKETS. Identifiers: Orphanet 89936, MedGen C0733682, MONDO:0010619, OMIM 307800.

Submissions (4):

3billion
Classification: Uncertain significance for Familial X-linked hypophosphatemic vitamin D refractory rickets. Last evaluated: 2022-05-22. Review status: criteria provided, single submitter. Criteria: ACMG Guidelines, 2015. Collection method: clinical testing. Allele origin: germline. Affected: yes. Observed: 1 heterozygote.
Comment: The variant is not observed in the gnomAD v2.1.1 dataset. Protein truncation variants are a common disease-causing mechanism. Same nucleotide change resulting in same amino acid change has been previously reported to be associated with PHEX related disorder (ClinVar ID: VCV000521768.4, PMID: 10737991). However, the evidence of pathogenicity is insufficient at this time. Therefore, this variant is classified as uncertain significanceaccording to the recommendation of ACMG/AMP guideline.

Blueprint Genetics
Classification: Uncertain significance. Last evaluated: 2019-12-27. Review status: criteria provided, single submitter. Criteria: ACMG Guidelines, 2015. Collection method: clinical testing. Allele origin: germline.

Labcorp Genetics (formerly Invitae), Labcorp
Classification: Uncertain significance. Last evaluated: 2019-12-05. Review status: criteria provided, single submitter. Criteria: Invitae Variant Classification Sherloc (09022015). Collection method: clinical testing. Allele origin: germline.
Comment: In summary, the available evidence is currently insufficient to determine the role of this variant in disease. Therefore, it has been classified as a Variant of Uncertain Significance. Algorithms developed to predict the effect of missense changes on protein structure and function (SIFT, PolyPhen-2, Align-GVGD) all suggest that this variant is likely to be tolerated, but these predictions have not been confirmed by published functional studies and their clinical significance is uncertain. This variant has been observed in individual(s) with hypophosphatemia (PMID: 10737991). ClinVar contains an entry for this variant (Variation ID: 521768). This variant is not present in population databases (ExAC no frequency). This sequence change replaces asparagine with lysine at codon 680 of the PHEX protein (p.Asn680Lys). The asparagine residue is moderately conserved and there is a moderate physicochemical difference between asparagine and lysine.

Ambry Genetics
Classification: Uncertain significance for Inborn genetic diseases. Last evaluated: 2017-05-12. Review status: criteria provided, single submitter. Criteria: Ambry exome assertion method (8-5-2015). Collection method: clinical testing. Allele origin: germline. Affected: yes. Observed: 1 variant allele.

Literature cited by the submitters: PubMed 10737991 (cited by 3 submitters).

NM_000444.6(PHEX):c.2040C>A (p.Asn680Lys)

Genes: PHEX (phosphate regulating endopeptidase X-linked; plus strand), PTCHD1-AS (PTCHD1 and PHEX antisense RNA; minus strand). Cytogenetic location: Xp22.11.
Variant type: single nucleotide variant.
Coding change: c.2040C>A on transcript NM_000444.6 (MANE Select); coding-DNA position 2040, C replaced by A.
Protein change: p.Asn680Lys; replaces asparagine 680 with lysine.
Molecular consequence: missense variant. On other transcripts: non-coding transcript variant (1).
Genome position (GRCh38, 1-based): chrX:22,227,581, C>A. VCF-style: chrX-22227581-C-A. GRCh37 (hg19) VCF-style: chrX-22245698-C-A.
Other names: c.2040C>A, p.Asn680Lys (NM_001282754.2); short protein forms N680K.
Identifiers: ClinVar variation 521768 (VCV000521768.15), dbSNP rs1556151526, ClinGen allele CA412574443.